The following is an entry in ClinVar:

NM_173598.6(KSR2):c.1659A>G (p.Thr553=)

Gene: KSR2 (kinase suppressor of ras 2; minus strand). Cytogenetic location: 12q24.22.
Variant type: single nucleotide variant.
Coding change: c.1659A>G on transcript NM_173598.6 (MANE Select); coding-DNA position 1659, A replaced by G.
Protein change: p.Thr553=; no amino-acid change (threonine 553 retained).
Molecular consequence: synonymous variant.
Genome position (GRCh38, 1-based): chr12:117,539,747, T>C on the plus strand (A>G on the coding strand, the complement: KSR2 is on the minus strand). VCF-style: chr12-117539747-T-C. GRCh37 (hg19) VCF-style: chr12-117977552-T-C.
Identifiers: ClinVar variation 3350271 (VCV003350271.1).
Genomic context (GRCh38, chr12:117,539,747, plus strand): 5'-CACCCCTCATGTCTCCCCAAGCATGGAGGTACCTGGCAGGTTGAAGTTCTTCTGCTGCCG[T>C]GTGCACTGTGGGGAAGGGTGTAGGGGAGAAGGCGGCGTGGCACTAGGAGGGAGGGGGGGT-3'
Protein context (NP_775869.4, residues 543-563): PSPLHPSPQC[Thr553=]RQQKNFNLPA

ClinVar aggregate classification (germline): Likely benign (0 of 4 stars; one submission).

Conditions:
KSR2-related disorder. Also called: KSR2-related condition.

gnomAD v4.1: 1 of 1,606,024 alleles (0.000062%); highest among the groups gnomAD compares: Non-Finnish European, 0.000085%; no homozygotes.

Submission:

PreventionGenetics, part of Exact Sciences
Classification: Likely benign for KSR2-related condition. Last evaluated: 2023-05-04. Review status: no assertion criteria provided. Collection method: clinical testing. Allele origin: germline.
Comment: This variant is classified as likely benign based on ACMG/AMP sequence variant interpretation guidelines (Richards et al. 2015 PMID: 25741868, with internal and published modifications).